The following is an entry in ClinVar:

NM_001148.6(ANK2):c.3155C>G (p.Pro1052Arg)

Gene: ANK2 (ankyrin 2; plus strand). Cytogenetic location: 4q26.
Variant type: single nucleotide variant.
Coding change: c.3155C>G on transcript NM_001148.6 (MANE Select); coding-DNA position 3155, C replaced by G.
Protein change: p.Pro1052Arg; replaces proline 1052 with arginine.
Molecular consequence: missense variant. On other transcripts: intron variant (42).
Genome position (GRCh38, 1-based): chr4:113,332,001, C>G. VCF-style: chr4-113332001-C-G. GRCh37 (hg19) VCF-style: chr4-114253157-C-G.
Other names: c.3128C>G, p.Pro1043Arg (NM_001127493.3); c.3167C>G, p.Pro1056Arg (NM_001354225.2); c.3197C>G, p.Pro1066Arg (NM_001354231.2, NM_001354242.2); c.3191C>G, p.Pro1064Arg (NM_001354232.2); c.3152C>G, p.Pro1051Arg (NM_001354235.2, NM_001354246.2, NM_001354265.2); c.3233C>G, p.Pro1078Arg (NM_001354237.2); c.3125C>G, p.Pro1042Arg (NM_001354239.2, NM_001354252.2); c.3200C>G, p.Pro1067Arg (NM_001354240.2, NM_001354241.2, NM_001386144.1); and 29 more; short protein forms P1030R, P1051R, P1056R, P1067R, P1071R, P1043R, P1052R, P1091R.
Identifiers: ClinVar variation 1417205 (VCV001417205.9), dbSNP rs768427721, ClinGen allele CA357935433.

ClinVar aggregate classification (germline): Uncertain significance. Review status: criteria provided, multiple submitters, no conflicts (2 of 4 stars). 2 submissions from 2 submitters: Uncertain significance (2). Last evaluated 2025-05-15.

Conditions:
Cardiovascular phenotype. Identifiers: MedGen CN230736.
Long QT syndrome (LQTS). Identifiers: MedGen C0023976, MeSH D008133, MONDO:0002442. Disease mechanism: loss of function. Inheritance: Various modes of inheritance.

gnomAD v4.1: 22 of 1,614,178 alleles (0.0014%); highest among the groups gnomAD compares: Non-Finnish European, 0.0019%; no homozygotes.

Submissions (2):

Ambry Genetics
Classification: Uncertain significance for Cardiovascular phenotype. Last evaluated: 2025-05-15. Review status: criteria provided, single submitter. Criteria: Ambry Variant Classification Scheme 2023. Collection method: clinical testing. Allele origin: germline.
Comment: The p.P1052R variant (also known as c.3155C>G), located in coding exon 28 of the ANK2 gene, results from a C to G substitution at nucleotide position 3155. The proline at codon 1052 is replaced by arginine, an amino acid with dissimilar properties. This amino acid position is conserved. In addition, the in silico prediction for this alteration is inconclusive. Based on the available evidence, the clinical significance of this variant remains unclear.

Labcorp Genetics (formerly Invitae), Labcorp
Classification: Uncertain significance for Long QT syndrome. Last evaluated: 2022-08-16. Review status: criteria provided, single submitter. Criteria: Invitae Variant Classification Sherloc (09022015). Collection method: clinical testing. Allele origin: germline.
Comment: Algorithms developed to predict the effect of missense changes on protein structure and function are either unavailable or do not agree on the potential impact of this missense change (SIFT: "Deleterious"; PolyPhen-2: "Probably Damaging"; Align-GVGD: "Class C0"). In summary, the available evidence is currently insufficient to determine the role of this variant in disease. Therefore, it has been classified as a Variant of Uncertain Significance. This sequence change replaces proline, which is neutral and non-polar, with arginine, which is basic and polar, at codon 1052 of the ANK2 protein (p.Pro1052Arg). This variant is present in population databases (no rsID available, gnomAD 0.003%). This variant has not been reported in the literature in individuals affected with ANK2-related conditions. ClinVar contains an entry for this variant (Variation ID: 1417205).